The following is an entry in ClinVar:

ClinVar aggregate classification (germline): Uncertain significance (1 of 4 stars; one submission).

Allele frequency attached by ClinVar (database versions not stated): ExAC 0.00003; gnomAD exomes 0.00006; TOPMed 0.00009; gnomAD 0.00012 and 0.00013.
gnomAD v4.1: 190 of 1,613,366 alleles (0.012%); highest among the groups gnomAD compares: Non-Finnish European, 0.016%; 1 homozygote.

Submission:

Labcorp Genetics (formerly Invitae), Labcorp
Classification: Uncertain significance. Last evaluated: 2025-01-20. Review status: criteria provided, single submitter. Criteria: Invitae Variant Classification Sherloc (09022015). Collection method: clinical testing. Allele origin: germline.
Comment: This sequence change replaces histidine, which is basic and polar, with glutamine, which is neutral and polar, at codon 370 of the GHR protein (p.His370Gln). This variant is present in population databases (rs200102164, gnomAD 0.02%). This variant has not been reported in the literature in individuals affected with GHR-related conditions. ClinVar contains an entry for this variant (Variation ID: 1434934). Invitae Evidence Modeling of protein sequence and biophysical properties (such as structural, functional, and spatial information, amino acid conservation, physicochemical variation, residue mobility, and thermodynamic stability) indicates that this missense variant is not expected to disrupt GHR protein function with a negative predictive value of 95%. In summary, the available evidence is currently insufficient to determine the role of this variant in disease. Therefore, it has been classified as a Variant of Uncertain Significance.

NM_000163.5(GHR):c.1110T>A (p.His370Gln)

Gene: GHR (growth hormone receptor; plus strand). Cytogenetic location: 5p12.
Variant type: single nucleotide variant.
Coding change: c.1110T>A on transcript NM_000163.5 (MANE Select); coding-DNA position 1110, T replaced by A.
Protein change: p.His370Gln; replaces histidine 370 with glutamine.
Molecular consequence: missense variant. On other transcripts: 3 prime UTR variant (1).
Genome position (GRCh38, 1-based): chr5:42,718,617, T>A. VCF-style: chr5-42718617-T-A. GRCh37 (hg19) VCF-style: chr5-42718719-T-A.
Other names: c.1131T>A, p.His377Gln (NM_001242399.2); c.1110T>A, p.His370Gln (NM_001242400.2, NM_001242401.4, NM_001242402.2 and 4 more transcripts); c.1044T>A, p.His348Gln (NM_001242460.2); c.*152T>A (NM_001242462.1); short protein forms H348Q, H377Q, H370Q.
Identifiers: ClinVar variation 1434934 (VCV001434934.4), dbSNP rs200102164, ClinGen allele CA3254595.